The following is an entry in ClinVar:

NM_017514.5(PLXNA3):c.378C>T (p.Asp126=)

Gene: PLXNA3 (plexin A3; plus strand). Cytogenetic location: Xq28.
Variant type: single nucleotide variant.
Coding change: c.378C>T on transcript NM_017514.5 (MANE Select); coding-DNA position 378, C replaced by T.
Protein change: p.Asp126=; no amino-acid change (aspartic acid 126 retained).
Molecular consequence: synonymous variant.
Genome position (GRCh38, 1-based): chrX:154,460,561, C>T. VCF-style: chrX-154460561-C-T. GRCh37 (hg19) VCF-style: chrX-153688901-C-T.
Identifiers: ClinVar variation 4979015 (VCV004979015.1).
Genomic context (GRCh38, chrX:154,460,561, plus strand): 5'-CCGCCGCCTGGTGGCCTGCGGCAGCATCTGGCAGGGCATCTGCCAGTTCCTGCGTCTGGA[C>T]GACCTCTTCAAGCTGGGTGAGCCGCACCACCGCAAGGAGCACTACCTGTCGGGGGCCCAG-3'
Protein context (NP_059984.3, residues 116-136): WQGICQFLRL[Asp126=]DLFKLGEPHH

ClinVar aggregate classification (germline): Likely benign (1 of 4 stars; one submission).

Conditions:
PLXNA3-related disorder. Also called: PLXNA3-related condition.

gnomAD v4.1: 85 of 1,208,123 alleles (0.007%); highest among the groups gnomAD compares: Admixed American, 0.033%; no homozygotes.

Submission:

PreventionGenetics, part of Exact Sciences
Classification: Likely benign for PLXNA3-related condition. Last evaluated: 2025-02-05. Review status: criteria provided, single submitter. Criteria: ACMG Guidelines, 2015. Collection method: clinical testing. Allele origin: germline.
Comment: This variant is classified as likely benign based on ACMG/AMP sequence variant interpretation guidelines (Richards et al. 2015 PMID: 25741868, with internal and published modifications).